The following is an entry in ClinVar:

ClinVar aggregate classification (germline): Uncertain significance (1 of 4 stars; one submission).

Submission:

Dasa
Classification: Uncertain significance. Last evaluated: 2026-07-04. Review status: criteria provided, single submitter. Criteria: DASA Assertion Criteria. Collection method: clinical testing. Allele origin: germline.
Comment: NM_001130438.3(SPTAN1):c.5447C>T (p.Ala1816Val) is a missense variant that results in the substitution of alanine with valine. This variant is absent from population databases. The currently available literature and clinical evidence are not sufficient to establish a definitive association between this variant and the reported condition. Therefore, this variant is classified as a variant of uncertain significance.

NM_001130438.3(SPTAN1):c.5447C>T (p.Ala1816Val)

Gene: SPTAN1 (spectrin alpha, non-erythrocytic 1; plus strand). Cytogenetic location: 9q34.11.
Variant type: single nucleotide variant.
Coding change: c.5447C>T on transcript NM_001130438.3 (MANE Select); coding-DNA position 5447, C replaced by T.
Protein change: p.Ala1816Val; replaces alanine 1816 with valine.
Molecular consequence: missense variant.
Genome position (GRCh38, 1-based): chr9:128,617,729, C>T. VCF-style: chr9-128617729-C-T. GRCh37 (hg19) VCF-style: chr9-131380008-C-T.
Other names: c.5372C>T, p.Ala1791Val (NM_001195532.2, NM_001438441.1, NM_001438444.1); c.5447C>T, p.Ala1816Val (NM_001363759.2, NM_001375310.1, NM_001375311.2 and 1 more transcripts); c.5387C>T, p.Ala1796Val (NM_001363765.2, NM_001375314.2, NM_001438442.1); c.5483C>T, p.Ala1828Val (NM_001375312.2, NM_001375318.1, NM_001438440.1); c.5432C>T, p.Ala1811Val (NM_001438443.1, NM_001438445.1, NM_003127.4); short protein forms A1791V, A1796V, A1811V, A1816V, A1828V.
Identifiers: ClinVar variation 5020252 (VCV005020252.1).